The following is an entry in ClinVar:

NM_021800.3(DNAJC12):c.524G>A (p.Trp175Ter)

Gene: DNAJC12 (DnaJ heat shock protein family (Hsp40) member C12; minus strand). Cytogenetic location: 10q21.3.
Variant type: single nucleotide variant.
Coding change: c.524G>A on transcript NM_021800.3 (MANE Select); coding-DNA position 524, G replaced by A.
Protein change: p.Trp175Ter; replaces tryptophan 175 with a stop codon.
Molecular consequence: nonsense.
Genome position (GRCh38, 1-based): chr10:67,797,189, C>T on the plus strand (G>A on the coding strand, the complement: DNAJC12 is on the minus strand). VCF-style: chr10-67797189-C-T. GRCh37 (hg19) VCF-style: chr10-69556947-C-T.
Other names: short protein forms W175*.
Identifiers: ClinVar variation 870655 (VCV000870655.14), dbSNP rs370032864, ClinGen allele CA5520771.
Genomic context (GRCh38, chr10:67,797,189, plus strand): 5'-TTTCTGAACTTCCTCAGGAGTTCTGAGGGAGCATCCTTGGACCAGCGGAAACGAAGGTGC[C>T]AACCATTCACATCTGCAAAACCTTTAAAGGAAAGAAAGTAAATATTTAAAATCAGAAGTA-3'

ClinVar aggregate classification (germline): Pathogenic. Review status: criteria provided, multiple submitters, no conflicts (2 of 4 stars). 10 submissions from 10 submitters: Pathogenic (9). 1 of the submissions does not count toward it. Last evaluated 2025-12-31.

Conditions:
Hyperphenylalaninemia due to DNAJC12 deficiency. Also called: Hyperphenylalaninemia, mild, non-bh4-deficient. Identifiers: Orphanet 508523, MedGen C4479270, MONDO:0044304, OMIM 617384.
DNAJC12-related disorder. Also called: DNAJC12-related condition.
Inborn genetic diseases. Identifiers: MedGen C0950123, MeSH D030342.

Allele frequency attached by ClinVar (database versions not stated): gnomAD 0.00022 and 0.00021; TOPMed 0.00026; 1000 Genomes Project 30x 0.00016; 1000 Genomes Project 0.00020; ExAC 0.00013; gnomAD exomes 0.00017 and 0.00008; ESP Exome Variant Server 0.00008.
gnomAD v4.1: 157 of 1,613,658 alleles (0.0097%); highest among the groups gnomAD compares: Admixed American, 0.13%; no homozygotes.

Submissions (10):

Labcorp Genetics (formerly Invitae), Labcorp
Classification: Pathogenic. Last evaluated: 2025-12-31. Review status: criteria provided, single submitter. Criteria: Invitae Variant Classification Sherloc (09022015). Collection method: clinical testing. Allele origin: germline.
Comment: This sequence change creates a premature translational stop signal (p.Trp175*) in the DNAJC12 gene. While this is not anticipated to result in nonsense mediated decay, it is expected to disrupt the last 24 amino acid(s) of the DNAJC12 protein. This variant is present in population databases (rs370032864, gnomAD 0.1%). This premature translational stop signal has been observed in individuals with hyperphenylalaninemia (PMID: 30626930, 32333439). ClinVar contains an entry for this variant (Variation ID: 870655). Algorithms developed to predict the effect of variants on gene product structure and function are not available or were not evaluated for this variant. Experimental studies have shown that this premature translational stop signal affects DNAJC12 function (PMID: 32333439). For these reasons, this variant has been classified as Pathogenic.

Dasa
Classification: Pathogenic. Last evaluated: 2025-12-25. Review status: criteria provided, single submitter. Criteria: DASA Assertion Criteria. Collection method: clinical testing. Allele origin: germline.
Comment: NM_021800.3(DNAJC12):c.524G>A (p.Trp175*) introduces a premature termination codon predicted to result in loss of normal protein function. Loss-of-function is an established mechanism of disease for this gene. Functional evidence supports a deleterious effect on the gene or gene product (PMID: 30626930; PMID: 32333439). This variant has been recurrently observed in individuals with related phenotype (PMID: 30626930; PMID: 32333439). The variant is present at low frequency in population datasets. Based on the available data, this variant is classified as pathogenic.

Variantyx, Inc.
Classification: Pathogenic for Hyperphenylalaninemia due to DNAJC12 deficiency. Last evaluated: 2025-10-15. Review status: criteria provided, single submitter. Criteria: Variantyx Assertion Criteria 2022. Collection method: clinical testing. Allele origin: germline. Inheritance: Autosomal recessive inheritance.
Comment: This is a nonsense variant in the DNAJC12 gene (OMIM: 606060). Pathogenic variants in this gene have been associated with autosomal recessive mild non BH4 deficient hyperphenylalaninemia. This variant introduces a premature termination codon in exon 5 out of 5 and is expected to disrupt the C-terminal region of the protein. Loss of function is a known disease mechanism for DNAJC12 in this disorder (PMID: 32333439). Functional studies have shown that this variant alters DNAJC12 protein function (PMID: 32333439) (PVS1_Strong). It has been identified in the homozygous or compound heterozygous state in many individuals reported in the published literature (PMID: 32333439, 30626930) (PM3) and has a 0.1300% maximum allele frequency in non-founder control populations (PM2). Based on the current evidence, this variant is classified as pathogenic for autosomal recessive mild non BH4 deficient hyperphenylalaninemia.

Women's Health and Genetics/Laboratory Corporation of America, LabCorp
Classification: Pathogenic for Hyperphenylalaninemia due to DNAJC12 deficiency. Last evaluated: 2024-12-10. Review status: criteria provided, single submitter. Criteria: LabCorp Variant Classification Summary - May 2015. Collection method: clinical testing. Allele origin: germline.
Comment: Variant summary: DNAJC12 c.524G>A (p.Trp175X) results in a premature termination codon, predicted to cause a truncation of the encoded protein, however, nonsense mediated decay is not expected to occur. The variant allele was found at a frequency of 0.00017 in 250564 control chromosomes. This frequency is not significantly higher than estimated for a pathogenic variant in DNAJC12 causing Hyperphenylalaninemia Due To DNAJC12 Deficiency, allowing no conclusion about variant significance. c.524G>A has been reported in the literature in multiple homozygous and compound heterozygous individuals affected with Hyperphenylalaninemia Due To DNAJC12 Deficiency (e.g. Gallego_2020, Navarette_2019). These data indicate that the variant is very likely to be associated with disease. At least one publication reports experimental evidence evaluating an impact on protein function, showing the variant results reduced PAH protein levels and activity, suggesting an inability of DNAJC12 to contribute to the PAH folding process (e.g. Gallego_2020). The following publications have been ascertained in the context of this evaluation (PMID: 32333439, 30626930).ClinVar contains an entry for this variant (Variation ID: 870655). Based on the evidence outlined above, the variant was classified as pathogenic.

PreventionGenetics, part of Exact Sciences
Classification: Pathogenic for DNAJC12-related condition. Last evaluated: 2023-06-13. Review status: criteria provided, single submitter. Criteria: ACMG Guidelines, 2015. Collection method: clinical testing. Allele origin: germline.
Comment: The DNAJC12 c.524G>A variant is predicted to result in premature protein termination (p.Trp175*). This variant has been reported in the homozygous and compound heterozygous state in multiple individuals with hyperphenylalaninaemia (Navarrete et al 2019. PubMed ID: 30626930; Gallego D et al 2020. PubMed ID: 32333439). This variant is reported in 0.093% of alleles in individuals of Latino descent in gnomAD. Nonsense variants in DNAJC12 are expected to be pathogenic. This variant is interpreted as pathogenic.

Baylor Genetics
Classification: Pathogenic for Hyperphenylalaninemia due to DNAJC12 deficiency. Last evaluated: 2022-04-14. Review status: criteria provided, single submitter. Criteria: ACMG Guidelines, 2015. Collection method: clinical testing. Allele origin: unknown.

Ambry Genetics
Classification: Pathogenic for Inborn genetic diseases. Last evaluated: 2021-07-30. Review status: criteria provided, single submitter. Criteria: Ambry Variant Classification Scheme 2023. Collection method: clinical testing. Allele origin: germline.
Comment: The c.524G>A (p.W175*) alteration, located in exon 5 (coding exon 5) of the DNAJC12 gene, consists of a G to A substitution at nucleotide position 524. This changes the amino acid from a tryptophan (W) to a stop codon at amino acid position 175. This alteration occurs at the 3' terminus of the DNAJC12 gene, is not expected to trigger nonsense-mediated mRNA decay, and only impacts the last 12.2% (24/198 amino acids) of the protein. However, premature stop codons are typically deleterious in nature and a significant portion of the protein is affected (Ambry internal data). This alteration has been detected in the homozygous and compound heterozygous states in multiple individuals with hyperphenylalaninemia (HPA) (Gallego, 2020). Functional studies on fibroblasts showed reduced amounts of PAH and PAH activity affecting the PAH folding process. Steady-state tyrosine hydroxylase levels were also reduced while tryptophan hydroxylase 2 levels were not affected (Gallego, 2020). Based on the available evidence, this alteration is classified as pathogenic.

New York Genome Center
Classification: Pathogenic for Hyperphenylalaninemia due to DNAJC12 deficiency. Last evaluated: 2021-07-22. Review status: criteria provided, single submitter. Criteria: NYGC Assertion Criteria 2020. Collection method: clinical testing. Allele origin: inherited. Observed: 1 heterozygote. Study: CSER-NYCKidSeq.

Clinical Genetics Service, Universitary Hospital 12 de Octubre
Classification: Pathogenic for Hyperphenylalaninemia due to DNAJC12 deficiency. Review status: criteria provided, single submitter. Criteria: ACMG Guidelines, 2015. Collection method: clinical testing. Allele origin: germline. Affected: yes.

Centro de Biología Molecular Severo Ochoa, Universidad Autónoma de Madrid
Classification: Pathogenic for Hyperphenylalaninemia due to DNAJC12 deficiency. Last evaluated: 2020-02-12. Review status: no assertion criteria provided. Collection method: research. Allele origin: inherited. Affected: yes. Not counted in ClinVar's aggregate classification.

Literature cited by the submitters: PubMed 30626930 (cited by 4 submitters); PubMed 32333439 (cited by 6 submitters).